The following is an entry in ClinVar:

ClinVar aggregate classification (germline): Uncertain significance (1 of 4 stars; one submission).

Conditions:
Familial meningioma. Also called: Meningioma, familial, susceptibility to. Identifiers: Orphanet 263662, MedGen C3551915, MONDO:0011789, OMIM 607174.

gnomAD v4.1: 1 of 1,613,882 alleles (0.000062%); highest among the groups gnomAD compares: Admixed American, 0.0017%; no homozygotes.

Submission:

Labcorp Genetics (formerly Invitae), Labcorp
Classification: Uncertain significance for Familial meningioma. Last evaluated: 2025-05-07. Review status: criteria provided, single submitter. Criteria: Invitae Variant Classification Sherloc (09022015). Collection method: clinical testing. Allele origin: germline.
Comment: This sequence change replaces serine, which is neutral and polar, with asparagine, which is neutral and polar, at codon 393 of the SMARCE1 protein (p.Ser393Asn). This variant is not present in population databases (gnomAD no frequency). This variant has not been reported in the literature in individuals affected with SMARCE1-related conditions. An algorithm developed to predict the effect of missense changes on protein structure and function (PolyPhen-2) suggests that this variant is likely to be tolerated. In summary, the available evidence is currently insufficient to determine the role of this variant in disease. Therefore, it has been classified as a Variant of Uncertain Significance.

NM_003079.5(SMARCE1):c.1178G>A (p.Ser393Asn)

Gene: SMARCE1 (SWI/SNF related BAF chromatin remodeling complex subunit E1; minus strand). Cytogenetic location: 17q21.2.
Variant type: single nucleotide variant.
Coding change: c.1178G>A on transcript NM_003079.5 (MANE Select); coding-DNA position 1178, G replaced by A.
Protein change: p.Ser393Asn; replaces serine 393 with asparagine.
Molecular consequence: missense variant.
Genome position (GRCh38, 1-based): chr17:40,628,843, C>T on the plus strand (G>A on the coding strand, the complement: SMARCE1 is on the minus strand). VCF-style: chr17-40628843-C-T. GRCh37 (hg19) VCF-style: chr17-38785095-C-T.
Other names: short protein forms S393N.
Identifiers: ClinVar variation 4751701 (VCV004751701.1).
Genomic context (GRCh38, chr17:40,628,843, plus strand): 5'-ACTTATTCTTTTTTCTCATCTTCTGGTATGGGATCTGTTGGTGGCTCCTCCACTGTTGCA[C>T]TGTTGCTCTCCGAGCCAGTGTTACTATCACTGGTTCCTTCCTCTGCCATACTGTCGACCC-3'
Protein context (NP_003070.3, residues 383-403): SDSNTGSESN[Ser393Asn]ATVEEPPTDP